The following is an entry in ClinVar:

ClinVar aggregate classification (germline): Uncertain significance (1 of 4 stars; one submission).

Conditions:
Primary ciliary dyskinesia. Also called: Ciliary dyskinesia. Identifiers: Orphanet 244, MedGen C0008780, MONDO:0016575, HP:0012265.

gnomAD v4.1: 2 of 1,614,170 alleles (0.00012%); highest among the groups gnomAD compares: Admixed American, 0.0033%; no homozygotes.

Submission:

Ambry Genetics
Classification: Uncertain significance for Primary ciliary dyskinesia. Last evaluated: 2025-08-27. Review status: criteria provided, single submitter. Criteria: Ambry Variant Classification Scheme 2023. Collection method: clinical testing. Allele origin: germline.
Comment: The p.E195K variant (also known as c.583G>A), located in coding exon 4 of the RSPH9 gene, results from a G to A substitution at nucleotide position 583. The glutamic acid at codon 195 is replaced by lysine, an amino acid with similar properties. This amino acid position is conserved. In addition, this alteration is predicted to be tolerated by in silico analysis. Based on the available evidence, the clinical significance of this variant remains unclear.

NM_152732.5(RSPH9):c.583G>A (p.Glu195Lys)

Gene: RSPH9 (radial spoke head component 9; plus strand). Cytogenetic location: 6p21.1.
Variant type: single nucleotide variant.
Coding change: c.583G>A on transcript NM_152732.5 (MANE Select); coding-DNA position 583, G replaced by A.
Protein change: p.Glu195Lys; replaces glutamic acid 195 with lysine.
Molecular consequence: missense variant. On other transcripts: non-coding transcript variant (2).
Genome position (GRCh38, 1-based): chr6:43,656,636, G>A. VCF-style: chr6-43656636-G-A. GRCh37 (hg19) VCF-style: chr6-43624373-G-A.
Other names: c.538G>A, p.Glu180Lys (NM_001193341.2, NM_001424120.1); c.583G>A, p.Glu195Lys (NM_001424119.1, NM_001424121.1); short protein forms E195K, E180K.
Identifiers: ClinVar variation 4157465 (VCV004157465.1).